The following is an entry in ClinVar:

NM_005120.3(MED12):c.2663dup (p.Leu889fs)

Gene: MED12 (mediator complex subunit 12; plus strand). Cytogenetic location: Xq13.1.
Variant type: Duplication.
Coding change: c.2663dup on transcript NM_005120.3 (MANE Select); coding-DNA position 2663, one base duplicated (G; older notation c.2663dupG).
Protein change: p.Leu889fs; shifts the reading frame from leucine 889.
Molecular consequence: frameshift variant.
Genome position (GRCh38, 1-based): chrX:71,126,462, G duplicated; the last of 2 consecutive G bases (chrX:71,126,461-71,126,462); duplicating either gives the same sequence. VCF-style (leftmost placement, unchanged base first): chrX-71126460-T-TG. GRCh37 (hg19) VCF-style: chrX-70346310-T-TG.
Other names: c.2661_2662insG (NM_005120.3); short protein forms L889fs.
Identifiers: ClinVar variation 1210235 (VCV001210235.2), dbSNP rs2147796613, ClinGen allele CA2499226839.
Genomic context (GRCh38, chrX:71,126,460, plus strand): 5'-GCCTCTGGTGCAGCATGTGCAGTTCATCTTCGACCTCATGGAATATTCACTCAGCATCAG[T>TG]GGCCTCATCGACTTTGCCATTCAGGTGGGGAAGTTGGGGAGATGAGGGTGGAGGCAGGAG-3'

ClinVar aggregate classification (germline): not provided (0 of 4 stars; one submission).

Conditions:
FG syndrome 1 (OKS). Also called: OPITZ-KAVEGGIA SYNDROME; KELLER SYNDROME; MENTAL RETARDATION, LARGE HEAD, IMPERFORATE ANUS, CONGENITAL HYPOTONIA, AND PARTIAL AGENESIS OF CORPUS CALLOSUM; FG Syndrome Type 1 (FGS1). Identifiers: Orphanet 93932, MedGen C5399762, MONDO:0010590, OMIM 305450.

Submission:

GeneReviews
No classification provided. Condition: FG syndrome. Review status: no classification provided. Collection method: literature only. Allele origin: germline.

Literature cited by the submitters: PubMed 33244166; PubMed 20301719.